The following is an entry in ClinVar:

ClinVar aggregate classification (germline): Benign/Likely benign. Review status: criteria provided, multiple submitters, no conflicts (2 of 4 stars). 7 submissions from 7 submitters: Benign (6); Likely benign (1). Last evaluated 2026-01-28.

Conditions:
Kabuki syndrome 2 (KABUK2). Also called: KDM6A-Related Kabuki Syndrome. Identifiers: Orphanet 2322, MedGen C3275495, MONDO:0010465, OMIM 300867.

Allele frequency attached by ClinVar (database versions not stated): gnomAD exomes 0.00062 and 0.00175; ExAC 0.00234; gnomAD 0.00593 and 0.00625; ESP Exome Variant Server 0.00606; 1000 Genomes Project 30x 0.00666; TOPMed 0.00677; 1000 Genomes Project 0.00715.
gnomAD v4.1: 1,374 of 1,208,652 alleles (0.11%); highest among the groups gnomAD compares: African/African-American, 2.1%; 9 homozygotes.

Submissions (7):

Labcorp Genetics (formerly Invitae), Labcorp
Classification: Benign for Kabuki syndrome 2. Last evaluated: 2026-01-28. Review status: criteria provided, single submitter. Criteria: Invitae Variant Classification Sherloc (09022015). Collection method: clinical testing. Allele origin: germline.

Mayo Clinic Laboratories, Mayo Clinic
Classification: Benign. Last evaluated: 2025-10-07. Review status: criteria provided, single submitter. Criteria: ACMG Guidelines, 2015. Collection method: clinical testing. Allele origin: germline. Observed: 3 variant alleles.
Comment: BA1, BP4

Blueprint Genetics
Classification: Likely benign. Last evaluated: 2024-08-23. Review status: criteria provided, single submitter. Criteria: ACMG Guidelines, 2015. Collection method: clinical testing. Allele origin: germline.

GeneDx
Classification: Benign. Last evaluated: 2020-09-25. Review status: criteria provided, single submitter. Criteria: GeneDx Variant Classification Process June 2021. Collection method: clinical testing. Allele origin: germline. Affected: yes.

Genetic Services Laboratory, University of Chicago
Classification: Benign. Last evaluated: 2018-12-27. Review status: criteria provided, single submitter. Criteria: ACMG Guidelines, 2015. Collection method: clinical testing. Allele origin: germline. Affected: no.

Breakthrough Genomics
Classification: Benign. Review status: criteria provided, single submitter. Criteria: ACMG Guidelines, 2015. Collection method: not provided. Allele origin: germline. Inheritance: X-linked inheritance. Affected: yes.

PreventionGenetics, part of Exact Sciences
Classification: Benign. Review status: criteria provided, single submitter. Criteria: ACMG Guidelines, 2015. Collection method: clinical testing. Allele origin: germline.

NM_001291415.2(KDM6A):c.1897A>G (p.Thr633Ala)

Gene: KDM6A (lysine demethylase 6A; plus strand). Cytogenetic location: Xp11.3.
Variant type: single nucleotide variant.
Coding change: c.1897A>G on transcript NM_001291415.2 (MANE Select); coding-DNA position 1897, A replaced by G.
Protein change: p.Thr633Ala; replaces threonine 633 with alanine.
Molecular consequence: missense variant. On other transcripts: non-coding transcript variant (1).
Genome position (GRCh38, 1-based): chrX:45,063,635, A>G. VCF-style: chrX-45063635-A-G. GRCh37 (hg19) VCF-style: chrX-44922880-A-G.
Other names: c.1762A>G, p.Thr588Ala (NM_001291416.2); c.1606A>G, p.Thr536Ala (NM_001291417.2); c.1504A>G, p.Thr502Ala (NM_001291418.2); c.853A>G, p.Thr285Ala (NM_001291421.2); c.1741A>G, p.Thr581Ala (NM_021140.4); short protein forms T581A, T633A, T285A, T502A, T536A, T588A.
Identifiers: ClinVar variation 261405 (VCV000261405.20), dbSNP rs34922269, ClinGen allele CA10392433.
Genomic context (GRCh38, chrX:45,063,635, plus strand): 5'-GCCTGCCCTGGGCAGCCTTTGGCCAATGGACCCTTTTCTGCAGGCCATGTTCCCTGTAGC[A>G]CATCAAGAACGCTGGGAAGTACAGACACTATTTTGATAGGCAATAATCATATAACAGGAA-3'
Protein context (NP_001278344.1, residues 623-643): PFSAGHVPCS[Thr633Ala]SRTLGSTDTI